The following is an entry in ClinVar:

NM_019892.6(INPP5E):c.1535G>A (p.Arg512Gln)

Gene: INPP5E (inositol polyphosphate-5-phosphatase E; minus strand). Cytogenetic location: 9q34.3.
Variant type: single nucleotide variant.
Coding change: c.1535G>A on transcript NM_019892.6 (MANE Select); coding-DNA position 1535, G replaced by A.
Protein change: p.Arg512Gln; replaces arginine 512 with glutamine.
Molecular consequence: missense variant.
Genome position (GRCh38, 1-based): chr9:136,431,838, C>T on the plus strand (G>A on the coding strand, the complement: INPP5E is on the minus strand). VCF-style: chr9-136431838-C-T. GRCh37 (hg19) VCF-style: chr9-139326290-C-T.
Other names: c.1532G>A, p.Arg511Gln (NM_001318502.2); short protein forms R511Q, R512Q.
Identifiers: ClinVar variation 847803 (VCV000847803.9), dbSNP rs750777734, ClinGen allele CA5336761.

ClinVar aggregate classification (germline): Uncertain significance. Review status: criteria provided, multiple submitters, no conflicts (2 of 4 stars). 5 submissions from 5 submitters: Uncertain significance (5). Last evaluated 2025-05-02.

Conditions:
Inborn genetic diseases. Identifiers: MedGen C0950123, MeSH D030342.
Joubert syndrome. Also called: JOUBERT-BOLTSHAUSER SYNDROME; Familial aplasia of the vermis. Identifiers: Orphanet 475, MedGen C5979921, MONDO:0018772.
MORM syndrome (MORMS). Identifiers: Orphanet 75858, MedGen C1857802, MONDO:0012423, OMIM 610156.
Joubert syndrome 1 (JBTS1). Also called: Cerebellooculorenal syndrome 1; CEREBELLOPARENCHYMAL DISORDER IV. Identifiers: MedGen C4551568, MONDO:0008944, OMIM 213300.

Allele frequency attached by ClinVar (database versions not stated): gnomAD exomes 0.00002; ExAC 0.00004; TOPMed 0.00006.
gnomAD v4.1: 31 of 1,606,418 alleles (0.0019%); highest among the groups gnomAD compares: African/African-American, 0.016%; no homozygotes.

Submissions (5):

Women's Health and Genetics/Laboratory Corporation of America, LabCorp
Classification: Uncertain significance. Last evaluated: 2025-05-02. Review status: criteria provided, single submitter. Criteria: LabCorp Variant Classification Summary - May 2015. Collection method: clinical testing. Allele origin: germline.
Comment: Variant summary: INPP5E c.1535G>A (p.Arg512Gln) results in a conservative amino acid change in the encoded protein sequence. Algorithms developed to predict the effect of missense changes on protein structure and function all suggest that this variant is likely to be tolerated. The variant allele was found at a frequency of 2.5e-05 in 243104 control chromosomes. c.1535G>A has been observed in individual(s) affected with Joubert Syndrome And Related Disorders (Ben-Salem_2014. These data indicate that the variant may be associated with disease. To our knowledge, no experimental evidence demonstrating an impact on protein function has been reported. The following publication have been ascertained in the context of this evaluation (PMID: 27081510). ClinVar contains an entry for this variant (Variation ID: 847803). Based on the evidence outlined above, the variant was classified as VUS-possibly pathogenic.

Blueprint Genetics
Classification: Uncertain significance. Last evaluated: 2024-10-23. Review status: criteria provided, single submitter. Criteria: ACMG Guidelines, 2015. Collection method: clinical testing. Allele origin: germline.

Fulgent Genetics
Classification: Uncertain significance for Joubert syndrome 1; MORM syndrome. Last evaluated: 2024-05-09. Review status: criteria provided, single submitter. Criteria: ACMG Guidelines, 2015. Collection method: clinical testing. Allele origin: germline.

Labcorp Genetics (formerly Invitae), Labcorp
Classification: Uncertain significance for Joubert syndrome. Last evaluated: 2022-10-13. Review status: criteria provided, single submitter. Criteria: Invitae Variant Classification Sherloc (09022015). Collection method: clinical testing. Allele origin: germline.
Comment: This sequence change replaces arginine, which is basic and polar, with glutamine, which is neutral and polar, at codon 512 of the INPP5E protein (p.Arg512Gln). The frequency data for this variant in the population databases is considered unreliable, as metrics indicate poor data quality at this position in the gnomAD database. This missense change has been observed in individual(s) with Joubert syndrome (PMID: 27081510). ClinVar contains an entry for this variant (Variation ID: 847803). Algorithms developed to predict the effect of missense changes on protein structure and function output the following: SIFT: "Tolerated"; PolyPhen-2: "Benign"; Align-GVGD: "Class C0". The glutamine amino acid residue is found in multiple mammalian species, which suggests that this missense change does not adversely affect protein function. In summary, the available evidence is currently insufficient to determine the role of this variant in disease. Therefore, it has been classified as a Variant of Uncertain Significance.

Ambry Genetics
Classification: Uncertain significance for Inborn genetic diseases. Last evaluated: 2021-10-20. Review status: criteria provided, single submitter. Criteria: Ambry Variant Classification Scheme 2023. Collection method: clinical testing. Allele origin: germline.
Comment: (Ben-Salem, 2014) Based on insufficient or conflicting evidence, the clinical significance of this alteration remains unclear.

Literature cited by the submitters: PubMed 27081510 (cited by 3 submitters).